The following is an entry in ClinVar:

ClinVar aggregate classification (germline): Likely pathogenic. Review status: criteria provided, single submitter (1 of 4 stars). 2 submissions from 2 submitters: Likely pathogenic (1). 1 of the submissions does not count toward it. Last evaluated 2024-06-19.

Conditions:
Fraser syndrome 1 (FRASRS1). Also called: CRYPTOPHTHALMOS WITH OTHER MALFORMATIONS. Identifiers: Orphanet 2052, MedGen C4551480, MONDO:0054737, OMIM 219000.
FRAS1-related disorder. Also called: FRAS1-related condition.

Submissions (2):

Fulgent Genetics
Classification: Likely pathogenic for Fraser syndrome 1. Last evaluated: 2024-06-19. Review status: criteria provided, single submitter. Criteria: ACMG Guidelines, 2015. Collection method: clinical testing. Allele origin: germline.

PreventionGenetics, part of Exact Sciences
Classification: Likely pathogenic for FRAS1-related condition. Last evaluated: 2024-02-13. Review status: no assertion criteria provided. Collection method: clinical testing. Allele origin: germline. Not counted in ClinVar's aggregate classification.
Comment: The FRAS1 c.6888+1G>A variant is predicted to disrupt the GT donor site and interfere with normal splicing. To our knowledge, this variant has not been reported in the literature or in a large population database, indicating this variant is rare. Variants that disrupt the consensus splice donor site in FRAS1 are expected to be pathogenic. This variant is interpreted as likely pathogenic.

NM_025074.7(FRAS1):c.6888+1G>A

Gene: FRAS1 (Fraser extracellular matrix complex subunit 1; plus strand). Cytogenetic location: 4q21.21.
Variant type: single nucleotide variant.
Coding change: c.6888+1G>A on transcript NM_025074.7 (MANE Select); the canonical splice donor site of the intron after coding-DNA position 6888, G replaced by A.
Molecular consequence: splice donor variant.
Genome position (GRCh38, 1-based): chr4:78,464,146, G>A. VCF-style: chr4-78464146-G-A. GRCh37 (hg19) VCF-style: chr4-79385300-G-A.
Identifiers: ClinVar variation 2632443 (VCV002632443.4), dbSNP rs2477269322, ClinGen allele CA357401651.